The following is an entry in ClinVar:

ClinVar aggregate classification (germline): Uncertain significance. Review status: criteria provided, multiple submitters, no conflicts (2 of 4 stars). 2 submissions from 2 submitters: Uncertain significance (2). Last evaluated 2025-08-12.

Conditions:
Inborn genetic diseases. Identifiers: MedGen C0950123, MeSH D030342.
Baller-Gerold syndrome (BGS). Also called: CRANIOSYNOSTOSIS WITH RADIAL DEFECTS. Identifiers: Orphanet 1225, MedGen C0265308, MONDO:0009039, OMIM 218600.

Allele frequency attached by ClinVar (database versions not stated): gnomAD exomes below 0.00001 and 0.00001; TOPMed 0.00001.
gnomAD v4.1: 3 of 1,546,766 alleles (0.00019%); highest among the groups gnomAD compares: East Asian, 0.0049%; no homozygotes.

Submissions (2):

Ambry Genetics
Classification: Uncertain significance for Inborn genetic diseases. Last evaluated: 2025-08-12. Review status: criteria provided, single submitter. Criteria: Ambry Variant Classification Scheme 2023. Collection method: clinical testing. Allele origin: germline.

Labcorp Genetics (formerly Invitae), Labcorp
Classification: Uncertain significance for Baller-Gerold syndrome. Last evaluated: 2024-04-22. Review status: criteria provided, single submitter. Criteria: Invitae Variant Classification Sherloc (09022015). Collection method: clinical testing. Allele origin: germline.
Comment: This sequence change replaces leucine, which is neutral and non-polar, with phenylalanine, which is neutral and non-polar, at codon 689 of the RECQL4 protein (p.Leu689Phe). This variant is present in population databases (no rsID available, gnomAD 0.01%). This variant has not been reported in the literature in individuals affected with RECQL4-related conditions. ClinVar contains an entry for this variant (Variation ID: 1043348). Advanced modeling of protein sequence and biophysical properties (such as structural, functional, and spatial information, amino acid conservation, physicochemical variation, residue mobility, and thermodynamic stability) performed at Invitae indicates that this missense variant is not expected to disrupt RECQL4 protein function with a negative predictive value of 80%. In summary, the available evidence is currently insufficient to determine the role of this variant in disease. Therefore, it has been classified as a Variant of Uncertain Significance.

NM_004260.4(RECQL4):c.2067G>C (p.Leu689Phe)

Gene: RECQL4 (RecQ like helicase 4; minus strand). Cytogenetic location: 8q24.3.
Variant type: single nucleotide variant.
Coding change: c.2067G>C on transcript NM_004260.4 (MANE Select); coding-DNA position 2067, G replaced by C.
Protein change: p.Leu689Phe; replaces leucine 689 with phenylalanine.
Molecular consequence: missense variant.
Genome position (GRCh38, 1-based): chr8:144,513,704, C>G on the plus strand (G>C on the coding strand, the complement: RECQL4 is on the minus strand). VCF-style: chr8-144513704-C-G. GRCh37 (hg19) VCF-style: chr8-145739088-C-G.
Other names: c.2067G>C (NM_004260.3); short protein forms L689F.
Identifiers: ClinVar variation 1043348 (VCV001043348.7), dbSNP rs1342995001, ClinGen allele CA372680088.